The following is an entry in ClinVar:

ClinVar aggregate classification (germline): Uncertain significance (1 of 4 stars; one submission).

Conditions:
Multiple endocrine neoplasia, type 1 (MEN1). Also called: MEN I; WERMER SYNDROME; Endocrine adenomatosis multiple; MEN 1; MEA I. Identifiers: Orphanet 652, MedGen C0025267, MeSH D018761, MONDO:0007540, OMIM 131100.

Submission:

Labcorp Genetics (formerly Invitae), Labcorp
Classification: Uncertain significance for Multiple endocrine neoplasia, type 1. Last evaluated: 2018-02-07. Review status: criteria provided, single submitter. Criteria: Invitae Variant Classification Sherloc (09022015). Collection method: clinical testing. Allele origin: germline.
Comment: This variant has not been reported in the literature in individuals with MEN1-related disease. Algorithms developed to predict the effect of missense changes on protein structure and function do not agree on the potential impact of this missense change (SIFT: "Deleterious"; PolyPhen-2: "Probably Damaging"; Align-GVGD: "Class C0"). In summary, the available evidence is currently insufficient to determine the role of this variant in disease. Therefore, it has been classified as a Variant of Uncertain Significance. This variant is not present in population databases (ExAC no frequency). This sequence change replaces tryptophan with cysteine at codon 220 of the MEN1 protein (p.Trp220Cys). The tryptophan residue is highly conserved and there is a large physicochemical difference between tryptophan and cysteine.

NM_001370259.2(MEN1):c.660G>T (p.Trp220Cys)

Gene: MEN1 (menin 1; minus strand). Cytogenetic location: 11q13.1.
Variant type: single nucleotide variant.
Coding change: c.660G>T on transcript NM_001370259.2 (MANE Select); coding-DNA position 660, G replaced by T.
Protein change: p.Trp220Cys; replaces tryptophan 220 with cysteine.
Molecular consequence: missense variant.
Genome position (GRCh38, 1-based): chr11:64,807,675, C>A on the plus strand (G>T on the coding strand, the complement: MEN1 is on the minus strand). VCF-style: chr11-64807675-C-A. GRCh37 (hg19) VCF-style: chr11-64575147-C-A.
Other names: c.675G>T, p.Trp225Cys (NM_000244.4, NM_130800.3, NM_130801.3 and 3 more transcripts); c.660G>T, p.Trp220Cys (NM_001370251.2, NM_001370260.2, NM_001370261.2 and 1 more transcripts); c.555G>T, p.Trp185Cys (NM_001370262.2, NM_001370263.2); short protein forms W225C, W220C, W185C.
Identifiers: ClinVar variation 581149 (VCV000581149.8), dbSNP rs886039414, ClinGen allele CA381185229.
Genomic context (GRCh38, chr11:64,807,675, plus strand): 5'-CACCATGAACGCCACCTCCATCTTGCGGTCACAGCGCATGTATGATCCTTTCAGGTACAG[C>A]CAGCTCTTAGGGGGGGATGAGATCATTATGTCTCATGATGGCCCACCCTGTGCCTGCTTC-3'
Protein context (NP_001357188.2, residues 210-230): TVNAGVAERS[Trp220Cys]LYLKGSYMRC